The following is an entry in ClinVar:

ClinVar aggregate classification (germline): Uncertain significance (1 of 4 stars; one submission).

Submission:

GeneDx
Classification: Uncertain significance. Last evaluated: 2026-03-16. Review status: criteria provided, single submitter. Criteria: GeneDx Variant Classification Process June 2021. Collection method: clinical testing. Allele origin: germline.
Comment: Not observed at significant frequency in large population cohorts (gnomAD); In silico analysis suggests that this missense variant does not alter protein structure/function; Has not been previously published as pathogenic or benign to our knowledge

NM_007118.4(TRIO):c.3468C>G (p.Asp1156Glu)

Gene: TRIO (trio Rho guanine nucleotide exchange factor; plus strand). Cytogenetic location: 5p15.2.
Variant type: single nucleotide variant.
Coding change: c.3468C>G on transcript NM_007118.4 (MANE Select); coding-DNA position 3468, C replaced by G.
Protein change: p.Asp1156Glu; replaces aspartic acid 1156 with glutamic acid.
Molecular consequence: missense variant. On other transcripts: non-coding transcript variant (1).
Genome position (GRCh38, 1-based): chr5:14,381,150, C>G. VCF-style: chr5-14381150-C-G. GRCh37 (hg19) VCF-style: chr5-14381259-C-G.
Other names: short protein forms D1156E.
Identifiers: ClinVar variation 5009049 (VCV005009049.1).
Genomic context (GRCh38, chr5:14,381,150, plus strand): 5'-TGTGTAGCCCTCTGACTCCATTCATTCCTTCCCCTTCCAGGCTTTGGAATGGATCCATGA[C>G]AATGGCGAGTTCTACCTTTCCACACACACCTCCACGGGCTCCAGTATACAGCACACCCAG-3'
Protein context (NP_009049.2, residues 1146-1166): SAKQALEWIH[Asp1156Glu]NGEFYLSTHT